The following is an entry in ClinVar:

NM_182931.3(KMT2E):c.4040C>G (p.Thr1347Ser)

Gene: KMT2E (lysine methyltransferase 2E (inactive); plus strand). Cytogenetic location: 7q22.3.
Variant type: single nucleotide variant.
Coding change: c.4040C>G on transcript NM_182931.3 (MANE Select); coding-DNA position 4040, C replaced by G.
Protein change: p.Thr1347Ser; replaces threonine 1347 with serine.
Molecular consequence: missense variant.
Genome position (GRCh38, 1-based): chr7:105,110,840, C>G. VCF-style: chr7-105110840-C-G. GRCh37 (hg19) VCF-style: chr7-104751287-C-G.
Other names: c.3914C>G, p.Thr1305Ser (NM_001410908.1); c.4040C>G, p.Thr1347Ser (NM_018682.4); c.4040C>G (NM_182931.2); short protein forms T1305S, T1347S.
Identifiers: ClinVar variation 2055468 (VCV002055468.7), dbSNP rs781657758, ClinGen allele CA4424651.

ClinVar aggregate classification (germline): Conflicting classifications of pathogenicity. Review status: criteria provided, conflicting classifications (1 of 4 stars). 3 submissions from 3 submitters: Uncertain significance (2); Benign (1). Last evaluated 2025-07-28.

Conditions:
Inborn genetic diseases. Identifiers: MedGen C0950123, MeSH D030342.

Allele frequency attached by ClinVar (database versions not stated): gnomAD 0.00001; ExAC 0.00003; TOPMed 0.00003.
gnomAD v4.1: 6 of 1,613,704 alleles (0.00037%); highest among the groups gnomAD compares: Admixed American, 0.01%; no homozygotes.

Submissions (3):

Labcorp Genetics (formerly Invitae), Labcorp
Classification: Benign. Last evaluated: 2025-07-28. Review status: criteria provided, single submitter. Criteria: Invitae Variant Classification Sherloc (09022015). Collection method: clinical testing. Allele origin: germline.

Ambry Genetics
Classification: Uncertain significance for Inborn genetic diseases. Last evaluated: 2024-09-27. Review status: criteria provided, single submitter. Criteria: Ambry Variant Classification Scheme 2023. Collection method: clinical testing. Allele origin: germline.

Women's Health and Genetics/Laboratory Corporation of America, LabCorp
Classification: Uncertain significance. Last evaluated: 2024-03-29. Review status: criteria provided, single submitter. Criteria: LabCorp Variant Classification Summary - May 2015. Collection method: clinical testing. Allele origin: germline.
Comment: Variant summary: KMT2E c.4040C>G (p.Thr1347Ser) results in a conservative amino acid change in the encoded protein sequence. Five of five in-silico tools predict a benign effect of the variant on protein function. The variant allele was found at a frequency of 2.4e-05 in 251260 control chromosomes. The available data on variant occurrences in the general population are insufficient to allow any conclusion about variant significance. To our knowledge, no occurrence of c.4040C>G in individuals affected with O'Donnell-Luria-Rodan Syndrome and no experimental evidence demonstrating its impact on protein function have been reported. ClinVar contains an entry for this variant (Variation ID: 2055468). Based on the evidence outlined above, the variant was classified as uncertain significance.